The following is an entry in ClinVar:

NC_000023.11:g.(?_31965029)_(32614463_?)del

Gene: DMD (dystrophin; minus strand). Cytogenetic location: Xp21.1.
Variant type: Deletion.
Identifiers: ClinVar variation 832179 (VCV000832179.1).

ClinVar aggregate classification (germline): Pathogenic (1 of 4 stars; one submission).

Conditions:
Duchenne muscular dystrophy (DMD). Also called: Duchenne Muscular Dystrophy (DMD); MUSCULAR DYSTROPHY, PSEUDOHYPERTROPHIC PROGRESSIVE, DUCHENNE TYPE. Identifiers: Orphanet 98896, MedGen C0013264, MONDO:0010679, OMIM 310200.

Submission:

Labcorp Genetics (formerly Invitae), Labcorp
Classification: Pathogenic for Duchenne muscular dystrophy. Last evaluated: 2019-03-19. Review status: criteria provided, single submitter. Criteria: Invitae Variant Classification Sherloc (09022015). Collection method: clinical testing. Allele origin: germline.
Comment: This variant is an in-frame deletion of the genomic region encompassing exons 12-45 of the DMD gene. It preserves the integrity of the reading frame. This variant has been observed in an individual affected with Duchenne muscular dystrophy (PMID: 19907931). Sub-genic deletion of exon 14 has been determined to be pathogenic (PMID: 17259292, 23453023, 19040728, PMID 25972034). Therefore, deletions that fully encompass that region are also expected to be pathogenic. In summary, the currently available evidence indicates that the variant is pathogenic, but additional data are needed to prove that conclusively. Therefore, this variant has been classified as Likely Pathogenic.

Literature cited by the submitters: PubMed 23453023; PubMed 17259292; PubMed 19040728; PubMed 25972034; PubMed 19907931.